The following is an entry in ClinVar:

NM_000492.4(CFTR):c.1935G>T (p.Met645Ile)

Gene: CFTR (CF transmembrane conductance regulator; plus strand). Cytogenetic location: 7q31.2.
Variant type: single nucleotide variant.
Coding change: c.1935G>T on transcript NM_000492.4 (MANE Select); coding-DNA position 1935, G replaced by T.
Protein change: p.Met645Ile; replaces methionine 645 with isoleucine.
Molecular consequence: missense variant.
Genome position (GRCh38, 1-based): chr7:117,592,102, G>T. VCF-style: chr7-117592102-G-T. GRCh37 (hg19) VCF-style: chr7-117232156-G-T.
Other names: short protein forms M645I.
Identifiers: ClinVar variation 4001859 (VCV004001859.1).

ClinVar aggregate classification (germline): Uncertain significance (1 of 4 stars; one submission).

Conditions:
Cystic fibrosis (CF). Also called: MUCOVISCIDOSIS. Identifiers: Orphanet 586, MedGen C0010674, MONDO:0009061, OMIM 219700. Disease mechanism: loss of function.

Submission:

Ambry Genetics
Classification: Uncertain significance for Cystic fibrosis. Last evaluated: 2025-05-11. Review status: criteria provided, single submitter. Criteria: Ambry Variant Classification Scheme 2023. Collection method: clinical testing. Allele origin: germline.
Comment: The p.M645I variant (also known as c.1935G>T), located in coding exon 14 of the CFTR gene, results from a G to T substitution at nucleotide position 1935. The methionine at codon 645 is replaced by isoleucine, an amino acid with highly similar properties. This amino acid position is conserved. In addition, the in silico prediction for this alteration is inconclusive. Based on the available evidence, the clinical significance of this variant remains unclear.